The following is an entry in ClinVar:

ClinVar aggregate classification (germline): Uncertain significance. Review status: criteria provided, multiple submitters, no conflicts (2 of 4 stars). 3 submissions from 3 submitters: Uncertain significance (3). Last evaluated 2022-03-29.

Conditions:
Intellectual developmental disorder, autosomal recessive 13. Also called: Intellectual disability, autosomal recessive 13. Identifiers: Orphanet 88616, MedGen C2750791, MONDO:0013173, OMIM 613192.

Allele frequency attached by ClinVar (database versions not stated): gnomAD 0.00001; ExAC 0.00005; gnomAD exomes 0.00002; TOPMed below 0.00001.
gnomAD v4.1: 34 of 1,614,076 alleles (0.0021%); highest among the groups gnomAD compares: South Asian, 0.031%; 1 homozygote.

Submissions (3):

Labcorp Genetics (formerly Invitae), Labcorp
Classification: Uncertain significance. Last evaluated: 2022-03-29. Review status: criteria provided, single submitter. Criteria: Invitae Variant Classification Sherloc (09022015). Collection method: clinical testing. Allele origin: germline.
Comment: In summary, the available evidence is currently insufficient to determine the role of this variant in disease. Therefore, it has been classified as a Variant of Uncertain Significance. Algorithms developed to predict the effect of missense changes on protein structure and function are either unavailable or do not agree on the potential impact of this missense change (SIFT: "Not Available"; PolyPhen-2: "Benign"; Align-GVGD: "Not Available"). This variant has not been reported in the literature in individuals affected with TRAPPC9-related conditions. This variant is present in population databases (rs780699195, gnomAD 0.03%). This sequence change replaces lysine, which is basic and polar, with asparagine, which is neutral and polar, at codon 1062 of the TRAPPC9 protein (p.Lys1062Asn).

Victorian Clinical Genetics Services, Murdoch Childrens Research Institute
Classification: Uncertain significance for Intellectual developmental disorder, autosomal recessive 13. Last evaluated: 2020-06-11. Review status: criteria provided, single submitter. Criteria: ACMG Guidelines, 2015. Collection method: clinical testing. Allele origin: germline. Inheritance: Autosomal recessive inheritance. Affected: yes.
Comment: Based on the classification scheme VCGS_Germline_v1.1.1, this variant is classified as VUS – 3B. Following criteria are met: 0102 - Loss-of-function is a known mechanism of disease for this gene. (N) 0106 - This gene is known to be associated with autosomal recessive disease. (N) 0200 - Variant is predicted to result in a missense amino acid change from lysine to asparagine (exon 20). (N) 0252 - Variant is homozygous. (N) 0304 - Variant is present in gnomAD <0.01 for a recessive condition (10 heterozygotes, 0 homozygotes). (P) 0309 - An alternative amino acid change at the same position has been observed in gnomAD (1 heterozygote, 0 homozygotes). (N) 0503 - Missense variant consistently predicted to be tolerated or not conserved in mammals with a minor amino acid change. (B) 0600 - Variant is located in an annotated domain or motif, (residue is a ubiquitinated residue within the TRAPPC9-Trs120 domain; PDB). (N) 0704 – A comparable variant (p.Lys964Glu) has low previous evidence for pathogenicity in a patient with intellectual disability (ClinVar). (P) 0807 - Variant has not previously been reported in a clinical context. (N) 0905 - No segregation evidence has been identified for this variant. (N) 1007 - No published functional evidence has been identified for this variant. (N) 1208 - Inheritance information for this variant is not currently available. (N) Legend: (P) - Pathogenic, (N) - Neutral, (B) - Benign

Neuberg Centre For Genomic Medicine, NCGM
Classification: Uncertain significance for Intellectual developmental disorder, autosomal recessive 13. Review status: criteria provided, single submitter. Criteria: ACMG Guidelines, 2015. Collection method: clinical testing. Allele origin: germline. Affected: yes.
Comment: The missense variant in c.3186G>T (p.Lys1062Asn) in TRAPPC9 gene has not been reported previously as a pathogenic variant nor as a benign variant, to our knowledge. The p.Lys1062Asn variant is reported with the allele frequency of 003977% in gnomAD and is novel (not in any individuals) in 1000 Genomes. The amino acid Lys at position 1062 is changed to a Asn changing protein sequence and it might alter its composition and physico-chemical properties. The variant is predicted to be tolerated by both SIFT and PolyPhen2. The residue is conserved across species. The amino acid change p.Lys1062Asn in TRAPPC9 is predicted as conserved by PhyloP across 100 vertebrates. For these reasons, this variant has been classified as Uncertain Significance.

NM_001160372.4(TRAPPC9):c.2892G>T (p.Lys964Asn)

Gene: TRAPPC9 (trafficking protein particle complex subunit 9; minus strand). Cytogenetic location: 8q24.3.
Variant type: single nucleotide variant.
Coding change: c.2892G>T on transcript NM_001160372.4 (MANE Select); coding-DNA position 2892, G replaced by T.
Protein change: p.Lys964Asn; replaces lysine 964 with asparagine.
Molecular consequence: missense variant. On other transcripts: non-coding transcript variant (1).
Genome position (GRCh38, 1-based): chr8:139,910,219, C>A on the plus strand (G>T on the coding strand, the complement: TRAPPC9 is on the minus strand). VCF-style: chr8-139910219-C-A. GRCh37 (hg19) VCF-style: chr8-140922463-C-A.
Other names: c.2865G>T, p.Lys955Asn (NM_001321646.2); c.2913G>T, p.Lys971Asn (NM_001374682.1); c.2781G>T, p.Lys927Asn (NM_001374683.1); c.2748G>T, p.Lys916Asn (NM_001374684.1); c.2892G>T, p.Lys964Asn (NM_031466.8); short protein forms K916N, K927N, K955N, K964N, K971N.
Identifiers: ClinVar variation 1805303 (VCV001805303.7), dbSNP rs780699195, ClinGen allele CA4892888.